The following is an entry in ClinVar:

NM_001482.3(GATM):c.141dup (p.Asn48fs)

Gene: GATM (glycine amidinotransferase; minus strand). Cytogenetic location: 15q21.1.
Variant type: Duplication.
Coding change: c.141dup on transcript NM_001482.3 (MANE Select); coding-DNA position 141, one base duplicated (G; older notation c.141dupG).
Protein change: p.Asn48fs; shifts the reading frame from asparagine 48.
Molecular consequence: frameshift variant. On other transcripts: 5 prime UTR variant (1).
Genome position (GRCh38, 1-based): chr15:45,376,748, C duplicated on the plus strand (G on the coding strand, the reverse complement: GATM is on the minus strand); the first of 2 consecutive C bases (chr15:45,376,748-45,376,749); duplicating either gives the same sequence. VCF-style (leftmost placement, unchanged base first): chr15-45376747-T-TC. GRCh37 (hg19) VCF-style: chr15-45668945-T-TC.
Other names: c.-247dup (NM_001321015.2); short protein forms N48fs.
Identifiers: ClinVar variation 4734408 (VCV004734408.1).

ClinVar aggregate classification (germline): Pathogenic (1 of 4 stars; one submission).

Conditions:
Arginine:glycine amidinotransferase deficiency (CCDS3). Also called: L-Arginine:Glycine Amidinotransferase (AGAT) Deficiency; AGAT deficiency; L-Arginine:Glycine Amidinotransferase Deficiency; Creatine deficiency syndrome due to AGAT deficiency; GATM deficiency; Cerebral creatine deficiency syndrome 3. Identifiers: Orphanet 35704, MedGen C2675179, MONDO:0012996, OMIM 612718.

Submission:

Labcorp Genetics (formerly Invitae), Labcorp
Classification: Pathogenic for Arginine:glycine amidinotransferase deficiency. Last evaluated: 2025-12-30. Review status: criteria provided, single submitter. Criteria: Invitae Variant Classification Sherloc (09022015). Collection method: clinical testing. Allele origin: germline.
Comment: This sequence change creates a premature translational stop signal (p.Asn48Glufs*6) in the GATM gene. It is expected to result in an absent or disrupted protein product. Loss-of-function variants in GATM are known to be pathogenic (PMID: 11555793). This variant is not present in population databases (gnomAD no frequency). This variant has not been reported in the literature in individuals affected with GATM-related conditions. For these reasons, this variant has been classified as Pathogenic.

Literature cited by the submitters: PubMed 11555793.